The following is an entry in ClinVar:

NM_000132.4(F8):c.6304G>A (p.Gly2102Ser)

Gene: F8 (coagulation factor VIII; minus strand). Cytogenetic location: Xq28.
Variant type: single nucleotide variant.
Coding change: c.6304G>A on transcript NM_000132.4 (MANE Select); coding-DNA position 6304, G replaced by A.
Protein change: p.Gly2102Ser; replaces glycine 2102 with serine.
Molecular consequence: missense variant.
Genome position (GRCh38, 1-based): chrX:154,896,202, C>T on the plus strand (G>A on the coding strand, the complement: F8 is on the minus strand). VCF-style: chrX-154896202-C-T. GRCh37 (hg19) VCF-style: chrX-154124477-C-T.
Other names: NM_000132.4(F8):c.6304G>A; p.Gly2102Ser; short protein forms G2102S.
Identifiers: ClinVar variation 914831 (VCV000914831.40), dbSNP rs200433372, ClinGen allele CA10567873.
Genomic context (GRCh38, chrX:154,896,202, plus strand): 5'-TGATAAACTGAGAGATGTAGAGGCTGGAGAACTTCTGACGGGCACCCTGGGTCTTGATGC[C>T]GTGAATAATCATTGGTGCCAACAGATCCACCTACCAATTAAAATAACACTTTATTTTAAC-3'
Protein context (NP_000123.1, residues 2092-2112): VDLLAPMIIH[Gly2102Ser]IKTQGARQKF

ClinVar aggregate classification (germline): Likely benign. Review status: reviewed by expert panel (3 of 4 stars). 8 submissions from 8 submitters: Likely benign (1). 7 of the submissions do not count toward it. Last evaluated 2026-04-10.

Conditions:
Hereditary factor VIII deficiency disease (HEMA). Also called: AUTOSOMAL HEMOPHILIA A; HEMOPHILIA, CLASSIC; Hemophilia A; Hemophilia A, congenital; HEM A; Factor 8 deficiency, congenital. Identifiers: Orphanet 98878, MedGen C0019069, MONDO:0010602, OMIM 306700.
Thrombophilia, X-linked, due to factor 8 defect. Also called: Thrombophilia 13, X-linked, due to factor VIII defect; THROMBOPHILIA, X-LINKED, DUE TO FACTOR VIII DEFECT. Identifiers: MedGen C5676879, MONDO:0859082, OMIM 301071.
F8-related disorder. Also called: F8-related condition.

Allele frequency attached by ClinVar (database versions not stated): gnomAD 0.00001; gnomAD exomes 0.00002 and 0.00008; TOPMed 0.00002; ExAC 0.00003; ESP Exome Variant Server 0.00009; 1000 Genomes Project 30x 0.00021; 1000 Genomes Project 0.00026.
gnomAD v4.1: 90 of 1,209,037 alleles (0.0074%); highest among the groups gnomAD compares: South Asian, 0.0088%; no homozygotes.

Submissions (8):

ClinGen Coagulation Factor Deficiency Variant Curation Expert Panel, Clingen
Classification: Likely benign for Hereditary factor VIII deficiency disease. Last evaluated: 2026-04-10. Review status: reviewed by expert panel. Criteria: ClinGen CoagFactor ACMG Specifications F8 V2.0.0. Collection method: curation. Allele origin: germline. Inheritance: X-linked inheritance.
Comment: The c.6304G>A variant in F8 is a missense variant predicted to cause substitution of serine for glycine at amino acid 2102. This variant is present in gnomAD v4.1.1 with a Gprmax FAF of 0.00007095 meeting BS1. The missense variant has a REVEL score of 0.794 (>0.6) meeting PP3. This variant has been reported in at least 3 males from the literature that do not meet F8 phenotype criteria for inclusion due to the high allele frequency of this variant and lack of ruling out a diagnosis of VWD 2N in reported patients (PMID: 23926300, 29296726). Missense variant at the same codon, F8 c.6305G>A, p.Gly2102Asp, was classified at likely pathogenic based on CFD VCEP v2.0 rule specification meeting PM5_Supporting. In summary, based on the evidence available at this time, this variant is classified as likely benign for hemophilia A. ACMG/AMP criteria applied, as specified by the Coagulation Factor Deficiency Variant Curation Expert Panel v2.0.0: BS1, PP3, PM5_Supporting.

Mendelics
Classification: Uncertain significance for Thrombophilia, X-linked, due to factor 8 defect. Last evaluated: 2026-02-13. Review status: criteria provided, single submitter. Criteria: Mendelics Assertion Criteria 2019. Collection method: clinical testing. Allele origin: germline. Not counted in ClinVar's aggregate classification.
Comment: Variant NM_000132.4(F8):c.6304G>A (p.Gly2102Ser) has gnomAD 4.1.0 frequency of 0.00007444 with 29 homozygotes. According to ACMG criteria and given that the variant is known in the literature (cf. other submitters comments) interpretation has been updated to VUS.

PreventionGenetics, part of Exact Sciences
Classification: Uncertain significance for F8-related condition. Last evaluated: 2025-07-08. Review status: criteria provided, single submitter. Criteria: ACMG Guidelines, 2015. Collection method: clinical testing. Allele origin: germline. Not counted in ClinVar's aggregate classification.
Comment: The F8 c.6304G>A variant is predicted to result in the amino acid substitution p.Gly2102Ser. This variant has been reported in an individual with mild hemophilia A (Santacroce et al. 2015. PubMed ID: 25628142). This variant is reported in 0.016% of alleles in individuals of South Asian descent in gnomAD including two hemizygotes. An alternate missense change at the same amino acid position (p.Gly2102Asp) has been reported in individuals affected with mild hemophilia A (table S2, Rydz et al. 2014. PubMed ID: 23913812). Although we suspect that this variant may be pathogenic, at this time, the clinical significance of this variant is uncertain due to the absence of conclusive functional and genetic evidence.

CeGaT Center for Human Genetics Tuebingen
Classification: Uncertain significance. Last evaluated: 2024-03-01. Review status: criteria provided, single submitter. Criteria: CeGaT Center For Human Genetics Tuebingen Variant Classification Criteria Version 2. Collection method: clinical testing. Allele origin: germline. Affected: yes. Observed: 1 variant allele. Not counted in ClinVar's aggregate classification.
Comment: F8: PM1, PM2

Fulgent Genetics
Classification: Likely pathogenic for Thrombophilia, X-linked, due to factor 8 defect; Hereditary factor VIII deficiency disease. Last evaluated: 2024-01-18. Review status: criteria provided, single submitter. Criteria: ACMG Guidelines, 2015. Collection method: clinical testing. Allele origin: germline. Not counted in ClinVar's aggregate classification.

Victorian Clinical Genetics Services, Murdoch Childrens Research Institute
Classification: Uncertain significance for Hereditary factor VIII deficiency disease. Last evaluated: 2021-05-06. Review status: criteria provided, single submitter. Criteria: ACMG Guidelines, 2015. Collection method: clinical testing. Allele origin: germline. Inheritance: X-linked recessive inheritance. Not counted in ClinVar's aggregate classification.
Comment: Based on the classification scheme VCGS_Germline_v1.3.4, this variant is classified as VUS-3B. Following criteria are met: 0102 - Loss of function is a known mechanism of disease in this gene and is associated with hemophilia A (MIM#306700). (I) 0109 - This gene is associated with X-linked recessive disease. (I) 0200 - Variant is predicted to result in a missense amino acid change from glycine to serine. (I) 0251 - This variant is heterozygous. (I) 0304 - Variant is present in gnomAD <0.01 for a recessive condition (v2) (2 heterozygotes, 0 homozygotes, 2 hemizygotes). (SP) 0504 - Same amino acid change has been observed in placental mammals. (SB) 0600 - Variant is located in the annotated coagulation factor 5/8 C-terminal domain (NCBI). (I) 0705 - No comparable missense variants have previous evidence for pathogenicity. p.(Gly2102Asp) has previously been reported in 2 mild hemophilia patients, however, as the Grantham score for this substitution is higher than this variant, this evidence was not used in support of pathogenicity (PMID: 23913812). (I) 0802 - This variant has moderate previous evidence of pathogenicity in unrelated individuals. It has previously been reported in 3 patients who presented with mild hemophilia A (PMID: 22958177, PMID: 25628142). In addition, this variant has been reported as likely pathogenic and as a VUS (ClinVar). (SP) 0905 - No published segregation evidence has been identified for this variant. (I) 1007 - No published functional evidence has been identified for this variant. (I) Legend: (SP) - Supporting pathogenic, (I) - Information, (SB) - Supporting benign

ARUP Laboratories, Molecular Genetics and Genomics, ARUP Laboratories
Classification: Likely pathogenic for Hereditary factor VIII deficiency disease. Last evaluated: 2020-03-17. Review status: criteria provided, single submitter. Criteria: ARUP Molecular Germline Variant Investigation Process. Collection method: clinical testing. Allele origin: germline. Not counted in ClinVar's aggregate classification.
Comment: The F8 c.6304G>A; p.Gly2102Ser variant (rs200433372), also known as Gly2083Ser, is reported in the literature in individuals affected with reportedly mild hemophilia A (Debeljak 2012). This variant is only observed on four alleles in the Genome Aggregation Database, indicating it is not a common polymorphism. The glycine at codon 2102 is moderately conserved, and computational analyses (SIFT: tolerated, PolyPhen-2: possibly damaging) predict conflicting effects of this variant on protein structure/function. Additionally, another variant at this codon (c.6205G>C; p.Gly2102Asp) has been reported in individuals with mild hemophilia A (Rydz 2013), and several missense variants in the same C1 domain are associated with mild hemophilia A (Green 2008, Johnsen 2017). Based on available information, the p.Gly2102Ser variant is considered to be likely pathogenic. References: Debeljak M et al. Spectrum of F8 gene mutations in haemophilia A patients from Slovenia. Haemophilia. 2012 Nov;18(6):e420-3. Green PM et al. Haemophilia A mutations in the UK: results of screening one-third of the population. Br J Haematol. 2008 Oct;143(1):115-28. Johnsen JM et al. Novel approach to genetic analysis and results in 3000 hemophilia patients enrolled in the My Life, Our Future initiative. Blood Adv. 2017 May 18;1(13):824-834. Rydz N et al. The Canadian "National Program for hemophilia mutation testing" database: a ten-year review. Am J Hematol. 2013 Dec;88(12):1030-4.

Illumina Laboratory Services, Illumina
Classification: Uncertain significance for Hereditary factor VIII deficiency disease. Last evaluated: 2018-01-13. Review status: criteria provided, single submitter. Criteria: ICSL Variant Classification Criteria 13 December 2019. Collection method: clinical testing. Allele origin: germline. Not counted in ClinVar's aggregate classification.

Literature cited by the submitters: PubMed 22958177 (cited by Victorian Clinical Genetics Services, Murdoch Childrens Research Institute); PubMed 23913812 (cited by Victorian Clinical Genetics Services, Murdoch Childrens Research Institute); PubMed 25628142 (cited by Victorian Clinical Genetics Services, Murdoch Childrens Research Institute).